The following is an entry in ClinVar:

ClinVar aggregate classification (germline): Uncertain significance (1 of 4 stars; one submission).

Allele frequency attached by ClinVar (database versions not stated): gnomAD exomes below 0.00001.
gnomAD v4.1: 2 of 1,612,506 alleles (0.00012%); highest among the groups gnomAD compares: South Asian, 0.0022%; no homozygotes.

Submission:

GeneDx
Classification: Uncertain significance. Last evaluated: 2022-12-28. Review status: criteria provided, single submitter. Criteria: GeneDx Variant Classification Process June 2021. Collection method: clinical testing. Allele origin: germline. Affected: yes.
Comment: Not observed at significant frequency in large population cohorts (gnomAD); In silico analysis supports that this missense variant has a deleterious effect on protein structure/function; Has not been previously published as pathogenic or benign to our knowledge

NM_015662.3(IFT172):c.2555A>T (p.Glu852Val)

Genes: IFT172 (intraflagellar transport 172; minus strand), LOC126806174 (CDK7 strongly-dependent group 2 enhancer GRCh37_chr2:27681686-27682885; plus strand). Cytogenetic location: 2p23.3.
Variant type: single nucleotide variant.
Coding change: c.2555A>T on transcript NM_015662.3 (MANE Select); coding-DNA position 2555, A replaced by T.
Protein change: p.Glu852Val; replaces glutamic acid 852 with valine.
Molecular consequence: missense variant.
Genome position (GRCh38, 1-based): chr2:27,459,796, T>A on the plus strand (A>T on the coding strand, the complement: IFT172 is on the minus strand). VCF-style: chr2-27459796-T-A. GRCh37 (hg19) VCF-style: chr2-27682663-T-A.
Other names: c.2489A>T, p.Glu830Val (NM_001410739.1); short protein forms E830V, E852V.
Identifiers: ClinVar variation 2507157 (VCV002507157.1), dbSNP rs2465867869, ClinGen allele CA346382805.